The following is an entry in ClinVar:

NC_000007.13:g.(?_21779282)_(21779935_?)del

Gene: DNAH11 (dynein axonemal heavy chain 11; plus strand). Cytogenetic location: 7p15.3.
Variant type: Deletion.
Identifiers: ClinVar variation 3245643 (VCV003245643.1).

ClinVar aggregate classification (germline): Likely pathogenic (1 of 4 stars; one submission).

Conditions:
Primary ciliary dyskinesia. Also called: Ciliary dyskinesia. Identifiers: Orphanet 244, MedGen C0008780, MONDO:0016575, HP:0012265.

Submission:

Labcorp Genetics (formerly Invitae), Labcorp
Classification: Likely pathogenic for Primary ciliary dyskinesia. Last evaluated: 2022-03-03. Review status: criteria provided, single submitter. Criteria: Invitae Variant Classification Sherloc (09022015). Collection method: clinical testing. Allele origin: unknown.
Comment: In summary, the currently available evidence indicates that the variant is pathogenic, but additional data are needed to prove that conclusively. Therefore, this variant has been classified as Likely Pathogenic. ClinVar contains an entry for this variant (Variation ID: 655837). This variant has not been reported in the literature in individuals affected with DNAH11-related conditions. This variant results in the deletion of part of exon 48 (c.7905_7914+644del) of the DNAH11 gene. It is expected to disrupt RNA splicing. Variants that disrupt the donor or acceptor splice site typically lead to a loss of protein function (PMID: 16199547), and loss-of-function variants in DNAH11 are known to be pathogenic (PMID: 18022865, 20513915, 22184204).

Literature cited by the submitters: PubMed 16199547; PubMed 18022865; PubMed 20513915; PubMed 22184204.